The following is an entry in ClinVar:

NM_002317.7(LOX):c.1056T>G (p.Tyr352Ter)

Genes: SRFBP1 (serum response factor binding protein 1; plus strand), LOX (lysyl oxidase; minus strand). Cytogenetic location: 5q23.1.
Variant type: single nucleotide variant.
Coding change: c.1056T>G on transcript NM_002317.7 (MANE Select); coding-DNA position 1056, T replaced by G.
Protein change: p.Tyr352Ter; replaces tyrosine 352 with a stop codon.
Molecular consequence: nonsense.
Genome position (GRCh38, 1-based): chr5:122,070,569, A>C on the plus strand (T>G on the coding strand, the complement: LOX is on the minus strand). VCF-style: chr5-122070569-A-C. GRCh37 (hg19) VCF-style: chr5-121406264-A-C.
Other names: c.366T>G, p.Tyr122Ter (NM_001178102.2); c.165T>G, p.Tyr55Ter (NM_001317073.1); short protein forms Y122*, Y55*, Y352*.
Identifiers: ClinVar variation 1454248 (VCV001454248.6), dbSNP rs1387507346, ClinGen allele CA360880593.

ClinVar aggregate classification (germline): Pathogenic (1 of 4 stars; one submission).

Submission:

Labcorp Genetics (formerly Invitae), Labcorp
Classification: Pathogenic. Last evaluated: 2021-05-30. Review status: criteria provided, single submitter. Criteria: Invitae Variant Classification Sherloc (09022015). Collection method: clinical testing. Allele origin: germline.
Comment: For these reasons, this variant has been classified as Pathogenic. This variant is not present in population databases (ExAC no frequency). This sequence change creates a premature translational stop signal (p.Tyr352*) in the LOX gene. It is expected to result in an absent or disrupted protein product. Loss-of-function variants in LOX are known to be pathogenic (PMID: 12417550, 26838787, 27432961). This variant has not been reported in the literature in individuals with LOX-related conditions.

Literature cited by the submitters: PubMed 12417550; PubMed 26838787; PubMed 27432961.